The following is an entry in ClinVar:

ClinVar aggregate classification (germline): Likely benign (0 of 4 stars; one submission).

Conditions:
AP1B1-related disorder. Also called: AP1B1-related condition.

Allele frequency attached by ClinVar (database versions not stated): gnomAD 0.00007; gnomAD exomes 0.00011; TOPMed 0.00012; ExAC 0.00013; ESP Exome Variant Server 0.00015.
gnomAD v4.1: 177 of 1,613,096 alleles (0.011%); highest among the groups gnomAD compares: Non-Finnish European, 0.0033%; 1 homozygote.

Submission:

PreventionGenetics, part of Exact Sciences
Classification: Likely benign for AP1B1-related condition. Last evaluated: 2023-04-04. Review status: no assertion criteria provided. Collection method: clinical testing. Allele origin: germline.
Comment: This variant is classified as likely benign based on ACMG/AMP sequence variant interpretation guidelines (Richards et al. 2015 PMID: 25741868, with internal and published modifications).

NM_001127.4(AP1B1):c.704G>A (p.Arg235His)

Gene: AP1B1 (adaptor related protein complex 1 subunit beta 1; minus strand). Cytogenetic location: 22q12.2.
Variant type: single nucleotide variant.
Coding change: c.704G>A on transcript NM_001127.4 (MANE Select); coding-DNA position 704, G replaced by A.
Protein change: p.Arg235His; replaces arginine 235 with histidine.
Molecular consequence: missense variant.
Genome position (GRCh38, 1-based): chr22:29,356,438, C>T on the plus strand (G>A on the coding strand, the complement: AP1B1 is on the minus strand). VCF-style: chr22-29356438-C-T. GRCh37 (hg19) VCF-style: chr22-29752427-C-T.
Other names: c.704G>A, p.Arg235His (NM_001166019.2, NM_001378562.1, NM_001378563.1 and 2 more transcripts); c.533G>A, p.Arg178His (NM_001378564.1, NM_001378565.1); short protein forms R178H, R235H.
Identifiers: ClinVar variation 3036048 (VCV003036048.2), dbSNP rs140871358, ClinGen allele CA10173408.